The following is an entry in ClinVar:

NM_001040142.2(SCN2A):c.5268dup (p.Val1757fs)

Gene: SCN2A (sodium voltage-gated channel alpha subunit 2; plus strand). Cytogenetic location: 2q24.3.
Variant type: Duplication.
Coding change: c.5268dup on transcript NM_001040142.2 (MANE Select); coding-DNA position 5268, one base duplicated (T; older notation c.5268dupT).
Protein change: p.Val1757fs; shifts the reading frame from valine 1757.
Molecular consequence: frameshift variant.
Genome position (GRCh38, 1-based): chr2:165,389,074, T duplicated; the last of 6 consecutive T bases (chr2:165,389,069-165,389,074); duplicating any one gives the same sequence. VCF-style (leftmost placement, unchanged base first): chr2-165389068-C-CT. GRCh37 (hg19) VCF-style: chr2-166245578-C-CT.
Other names: c.5268dup, p.Val1757fs (NM_001040143.2, NM_001371246.1, NM_001371247.1 and 1 more transcripts); short protein forms V1757fs.
Identifiers: ClinVar variation 2941236 (VCV002941236.3), dbSNP rs1466129143, ClinGen allele CA645527253.

ClinVar aggregate classification (germline): Pathogenic (1 of 4 stars; one submission).

Conditions:
Seizures, benign familial infantile, 3 (BFIS3). Also called: CONVULSIONS, BENIGN FAMILIAL INFANTILE, 3; Familial neonatal seizures. Identifiers: Orphanet 140927, Orphanet 306, MedGen C1843140, MONDO:0011904, OMIM 607745.
Developmental and epileptic encephalopathy, 11 (DEE11). Also called: Early infantile epileptic encephalopathy 11. Identifiers: Orphanet 1934, MedGen C3150987, MONDO:0013388, OMIM 613721.

Submission:

Labcorp Genetics (formerly Invitae), Labcorp
Classification: Pathogenic for Seizures, benign familial infantile, 3; Developmental and epileptic encephalopathy, 11. Last evaluated: 2022-11-15. Review status: criteria provided, single submitter. Criteria: Invitae Variant Classification Sherloc (09022015). Collection method: clinical testing. Allele origin: germline.
Comment: For these reasons, this variant has been classified as Pathogenic. This variant disrupts a region of the SCN2A protein in which other variant(s) (p.Ile1772Metfs*19) have been determined to be pathogenic (Invitae). This suggests that this is a clinically significant region of the protein, and that variants that disrupt it are likely to be disease-causing. This variant has not been reported in the literature in individuals affected with SCN2A-related conditions. This variant is not present in population databases (gnomAD no frequency). This sequence change creates a premature translational stop signal (p.Val1757Cysfs*28) in the SCN2A gene. While this is not anticipated to result in nonsense mediated decay, it is expected to disrupt the last 249 amino acid(s) of the SCN2A protein.